The following is an entry in ClinVar:

NM_006593.4(TBR1):c.935C>A (p.Thr312Lys)

Gene: TBR1 (T-box brain transcription factor 1; plus strand). Cytogenetic location: 2q24.2.
Variant type: single nucleotide variant.
Coding change: c.935C>A on transcript NM_006593.4 (MANE Select); coding-DNA position 935, C replaced by A.
Protein change: p.Thr312Lys; replaces threonine 312 with lysine.
Molecular consequence: missense variant.
Genome position (GRCh38, 1-based): chr2:161,418,288, C>A. VCF-style: chr2-161418288-C-A. GRCh37 (hg19) VCF-style: chr2-162274799-C-A.
Other names: short protein forms T312K.
Identifiers: ClinVar variation 2576024 (VCV002576024.1), dbSNP rs2468092731, ClinGen allele CA349212559.

ClinVar aggregate classification (germline): Likely pathogenic (1 of 4 stars; one submission).

Submission:

Institute for Clinical Genetics, University Hospital TU Dresden, University Hospital TU Dresden
Classification: Likely pathogenic. Last evaluated: 2023-01-31. Review status: criteria provided, single submitter. Criteria: ACMG Guidelines, 2015. Collection method: clinical testing. Allele origin: de novo.
Comment: PP3_STR, PM2_SUP, PP2